The following is an entry in ClinVar:

ClinVar aggregate classification (germline): Benign (1 of 4 stars; one submission).

Conditions:
Retinitis pigmentosa (RP). Identifiers: Orphanet 791, MedGen C0035334, MeSH D012174, MONDO:0019200, OMIM 268000. Inheritance: Autosomal dominant, autosomal recessive and X linked inheritance.

Allele frequency attached by ClinVar (database versions not stated): gnomAD 0.00001 and 0.00090; TOPMed 0.00017; gnomAD exomes 0.00148 and 0.00314; ExAC 0.00368; 1000 Genomes Project 30x 0.00703; 1000 Genomes Project 0.00719.

Submission:

Illumina Laboratory Services, Illumina
Classification: Benign for Retinitis pigmentosa. Last evaluated: 2018-01-13. Review status: criteria provided, single submitter. Criteria: ICSL Variant Classification Criteria 13 December 2019. Collection method: clinical testing. Allele origin: germline.
Comment: This variant was observed in the ICSL laboratory as part of a predisposition screen in an ostensibly healthy population. It had not been previously curated by ICSL or reported in the Human Gene Mutation Database (HGMD: prior to June 1st, 2018), and was therefore a candidate for classification through an automated scoring system. Utilizing variant allele frequency, disease prevalence and penetrance estimates, and inheritance mode, an automated score was calculated to assess if this variant is too frequent to cause the disease. Based on the score and internal cut-off values, a variant classified as benign is not then subjected to further curation. The score for this variant resulted in a classification of benign for this disease.

NM_015629.4(PRPF31):c.*46G>A

Gene: PRPF31 (pre-mRNA processing factor 31; plus strand). Cytogenetic location: 19q13.42.
Variant type: single nucleotide variant.
Coding change: c.*46G>A on transcript NM_015629.4 (MANE Select); 46 bases downstream of the stop codon, G replaced by A.
Molecular consequence: 3 prime UTR variant.
Genome position (GRCh38, 1-based): chr19:54,131,478, G>A. VCF-style: chr19-54131478-G-A. GRCh37 (hg19) VCF-style: chr19-54634909-G-A.
Identifiers: ClinVar variation 330113 (VCV000330113.5), dbSNP rs368621219, ClinGen allele CA309332445.
Genomic context (GRCh38, chr19:54,131,478, plus strand): 5'-CTTATGTCCACCTGAATGACTGCGTGTGTCCAAGGTGGCTTCCCACTGAAGGGACACAGA[G>A]GTCCAGTCCTTCTGAAGGGCTAGGATCGGGTTCTGGCAGGGAGAACCTGCCCTGCCACTG-3'